The following is an entry in ClinVar:

ClinVar aggregate classification (germline): Uncertain significance. Review status: criteria provided, multiple submitters, no conflicts (2 of 4 stars). 3 submissions from 3 submitters: Uncertain significance (3). Last evaluated 2026-07-01.

Allele frequency attached by ClinVar (database versions not stated): gnomAD 0.00001; TOPMed 0.00001.
gnomAD v4.1: 9 of 1,612,870 alleles (0.00056%); highest among the groups gnomAD compares: Non-Finnish European, 0.00076%; no homozygotes.

Submissions (3):

CeGaT Center for Human Genetics Tuebingen
Classification: Uncertain significance. Last evaluated: 2026-07-01. Review status: criteria provided, single submitter. Criteria: CeGaT Center For Human Genetics Tuebingen Variant Classification Criteria Version 2. Collection method: clinical testing. Allele origin: germline. Affected: yes. Observed: 1 variant allele.
Comment: TTN: PM2

Athena Diagnostics
Classification: Uncertain significance. Last evaluated: 2021-01-22. Review status: criteria provided, single submitter. Criteria: Athena Diagnostics criteria. Collection method: clinical testing. Allele origin: unknown.

Revvity Omics, Revvity
Classification: Uncertain significance. Last evaluated: 2019-10-08. Review status: criteria provided, single submitter. Criteria: ACMG Guidelines, 2015. Collection method: clinical testing. Allele origin: germline.

NM_001267550.2(TTN):c.51587G>T (p.Arg17196Ile)

Genes: TTN (titin; minus strand), TTN-AS1 (TTN antisense RNA 1; plus strand). Cytogenetic location: 2q31.2.
Variant type: single nucleotide variant.
Coding change: c.51587G>T on transcript NM_001267550.2 (MANE Select); coding-DNA position 51587, G replaced by T.
Protein change: p.Arg17196Ile; replaces arginine 17196 with isoleucine.
Molecular consequence: missense variant.
Genome position (GRCh38, 1-based): chr2:178,609,836, C>A on the plus strand (G>T on the coding strand, the complement: TTN is on the minus strand). VCF-style: chr2-178609836-C-A. GRCh37 (hg19) VCF-style: chr2-179474563-C-A.
Other names: c.46664G>T, p.Arg15555Ile (NM_001256850.1); c.24392G>T, p.Arg8131Ile (NM_003319.4); c.43883G>T, p.Arg14628Ile (NM_133378.4); c.24767G>T, p.Arg8256Ile (NM_133432.3); c.24968G>T, p.Arg8323Ile (NM_133437.4); short protein forms R14628I, R15555I, R17196I, R8131I, R8256I, R8323I.
Identifiers: ClinVar variation 994580 (VCV000994580.6), dbSNP rs751398376, ClinGen allele CA60983818.